The following is an entry in ClinVar:

ClinVar aggregate classification (germline): Uncertain significance. Review status: criteria provided, multiple submitters, no conflicts (2 of 4 stars). 2 submissions from 2 submitters: Uncertain significance (2). Last evaluated 2025-11-13.

Conditions:
Gorlin syndrome. Also called: Nevoid Basal Cell Carcinoma Syndrome; Basal cell nevus syndrome. Identifiers: Orphanet 377, MedGen C0004779, MONDO:0007187.
Hereditary cancer-predisposing syndrome. Also called: Hereditary neoplastic syndrome; Neoplastic Syndromes, Hereditary; Hereditary Cancer Syndrome; Tumor predisposition. Identifiers: Orphanet 140162, MedGen C0027672, MeSH D009386, MONDO:0015356.

Submissions (2):

Ambry Genetics
Classification: Uncertain significance for Hereditary cancer-predisposing syndrome. Last evaluated: 2025-11-13. Review status: criteria provided, single submitter. Criteria: Ambry Variant Classification Scheme 2023. Collection method: clinical testing. Allele origin: germline.
Comment: The p.R1304T variant (also known as c.3911G>C), located in coding exon 23 of the PTCH1 gene, results from a G to C substitution at nucleotide position 3911. The arginine at codon 1304 is replaced by threonine, an amino acid with similar properties. This amino acid position is conserved. In addition, the in silico prediction for this alteration is inconclusive. Based on the available evidence, the clinical significance of this variant remains unclear.

Labcorp Genetics (formerly Invitae), Labcorp
Classification: Uncertain significance for Gorlin syndrome. Last evaluated: 2022-05-19. Review status: criteria provided, single submitter. Criteria: Invitae Variant Classification Sherloc (09022015). Collection method: clinical testing. Allele origin: germline.
Comment: In summary, the available evidence is currently insufficient to determine the role of this variant in disease. Therefore, it has been classified as a Variant of Uncertain Significance. This sequence change replaces arginine, which is basic and polar, with threonine, which is neutral and polar, at codon 1304 of the PTCH1 protein (p.Arg1304Thr). This variant is not present in population databases (gnomAD no frequency). This variant has not been reported in the literature in individuals affected with PTCH1-related conditions. Advanced modeling of protein sequence and biophysical properties (such as structural, functional, and spatial information, amino acid conservation, physicochemical variation, residue mobility, and thermodynamic stability) performed at Invitae indicates that this missense variant is not expected to disrupt PTCH1 protein function.

NM_000264.5(PTCH1):c.3911G>C (p.Arg1304Thr)

Gene: PTCH1 (patched 1; minus strand). Cytogenetic location: 9q22.32.
Variant type: single nucleotide variant.
Coding change: c.3911G>C on transcript NM_000264.5 (MANE Select); coding-DNA position 3911, G replaced by C.
Protein change: p.Arg1304Thr; replaces arginine 1304 with threonine.
Molecular consequence: missense variant. On other transcripts: non-coding transcript variant (1).
Genome position (GRCh38, 1-based): chr9:95,447,345, C>G on the plus strand (G>C on the coding strand, the complement: PTCH1 is on the minus strand). VCF-style: chr9-95447345-C-G. GRCh37 (hg19) VCF-style: chr9-98209627-C-G.
Other names: c.3713G>C, p.Arg1238Thr (NM_001083602.3); c.3908G>C, p.Arg1303Thr (NM_001083603.3); c.3458G>C, p.Arg1153Thr (NM_001083604.3, NM_001083605.3, NM_001083606.3 and 1 more transcripts); c.3755G>C, p.Arg1252Thr (NM_001354918.2); short protein forms R1238T, R1303T, R1153T, R1252T, R1304T.
Identifiers: ClinVar variation 1390604 (VCV001390604.11), dbSNP rs1838039734, ClinGen allele CA374110678.